The following is an entry in ClinVar:

NM_000258.3(MYL3):c.143C>G (p.Pro48Arg)

Gene: MYL3 (myosin light chain 3; minus strand). Cytogenetic location: 3p21.31.
Variant type: single nucleotide variant.
Coding change: c.143C>G on transcript NM_000258.3 (MANE Select); coding-DNA position 143, C replaced by G.
Protein change: p.Pro48Arg; replaces proline 48 with arginine.
Molecular consequence: missense variant. On other transcripts: 5 prime UTR variant (2).
Genome position (GRCh38, 1-based): chr3:46,860,974, G>C on the plus strand (C>G on the coding strand, the complement: MYL3 is on the minus strand). VCF-style: chr3-46860974-G-C. GRCh37 (hg19) VCF-style: chr3-46902464-G-C.
Other names: c.143C>G, p.Pro48Arg (NM_001406937.1, NM_001406938.1, NM_001406939.1); c.-32C>G (NM_001406940.1, NM_001406941.1); short protein forms P48R.
Identifiers: ClinVar variation 3709460 (VCV003709460.2).
Genomic context (GRCh38, chr3:46,860,974, plus strand): 5'-ACCCCAGCCCAATCCTGCAACCCCTGGGTTCAAGACCCCTGCTCACCTTCAATCTGCTCA[G>C]GTGTGAACTCAATCTGAAAAGAGACCCCAAAGACTCAGATGCCCGGCTTAAAAGGTGGGG-3'
Protein context (NP_000249.1, residues 38-58): DASKIKIEFT[Pro48Arg]EQIEEFKEAF

ClinVar aggregate classification (germline): Uncertain significance (1 of 4 stars; one submission).

Conditions:
Hypertrophic cardiomyopathy. Also called: HYPERTROPHIC MYOCARDIOPATHY. Identifiers: Orphanet 217569, MedGen C0007194, MeSH D002312, MONDO:0005045, HP:0001639.

gnomAD v4.1: 4 of 1,614,000 alleles (0.00025%); highest among the groups gnomAD compares: Non-Finnish European, 0.00034%; no homozygotes.

Submission:

Labcorp Genetics (formerly Invitae), Labcorp
Classification: Uncertain significance for Hypertrophic cardiomyopathy. Last evaluated: 2025-07-27. Review status: criteria provided, single submitter. Criteria: Invitae Variant Classification Sherloc (09022015). Collection method: clinical testing. Allele origin: germline.
Comment: This sequence change replaces proline, which is neutral and non-polar, with arginine, which is basic and polar, at codon 48 of the MYL3 protein (p.Pro48Arg). This variant is present in population databases (no rsID available, gnomAD 0.0009%). This variant has not been reported in the literature in individuals affected with MYL3-related conditions. ClinVar contains an entry for this variant (Variation ID: 3709460). An algorithm developed to predict the effect of missense changes on protein structure and function (PolyPhen-2) suggests that this variant is likely to be tolerated. In summary, the available evidence is currently insufficient to determine the role of this variant in disease. Therefore, it has been classified as a Variant of Uncertain Significance.